The following is an entry in ClinVar:

NM_001130987.2(DYSF):c.2206G>A (p.Ala736Thr)

Gene: DYSF (dysferlin; plus strand). Cytogenetic location: 2p13.2.
Variant type: single nucleotide variant.
Coding change: c.2206G>A on transcript NM_001130987.2 (MANE Select); coding-DNA position 2206, G replaced by A.
Protein change: p.Ala736Thr; replaces alanine 736 with threonine.
Molecular consequence: missense variant.
Genome position (GRCh38, 1-based): chr2:71,556,061, G>A. VCF-style: chr2-71556061-G-A. GRCh37 (hg19) VCF-style: chr2-71783191-G-A.
Other names: c.2152G>A (NM_003494.3); c.2155G>A, p.Ala719Thr (NM_001130455.2, NM_001130983.2); c.2110G>A, p.Ala704Thr (NM_001130976.2, NM_001130977.2); c.2152G>A, p.Ala718Thr (NM_001130978.2, NM_003494.4); c.2245G>A, p.Ala749Thr (NM_001130979.2); c.2203G>A, p.Ala735Thr (NM_001130980.2, NM_001130981.2); c.2248G>A, p.Ala750Thr (NM_001130982.2); c.2113G>A, p.Ala705Thr (NM_001130984.2, NM_001130986.2); and 1 more; short protein forms A718T, A750T, A705T, A719T, A704T, A736T, A749T, A735T.
Identifiers: ClinVar variation 1358560 (VCV001358560.6), dbSNP rs1042263359, ClinGen allele CA49798162.

ClinVar aggregate classification (germline): Uncertain significance. Review status: criteria provided, multiple submitters, no conflicts (2 of 4 stars). 3 submissions from 3 submitters: Uncertain significance (3). Last evaluated 2026-03-18.

Conditions:
Neuromuscular disease caused by qualitative or quantitative defects of dysferlin. Also called: Dysferlinopathy; Qualitative or quantitative defects of dysferlin. Identifiers: Orphanet 207073, MedGen C2931687, MONDO:0016145.
Inborn genetic diseases. Identifiers: MedGen C0950123, MeSH D030342.
Autosomal recessive limb-girdle muscular dystrophy. Identifiers: Orphanet 102015, MedGen C2931907, MONDO:0015152.

Allele frequency attached by ClinVar (database versions not stated): gnomAD exomes 0.00001; TOPMed 0.00001.
gnomAD v4.1: 8 of 1,569,440 alleles (0.00051%); highest among the groups gnomAD compares: East Asian, 0.0023%; no homozygotes.

Submissions (3):

Myriad Genetics, Inc.
Classification: Uncertain significance for Autosomal recessive limb-girdle muscular dystrophy. Last evaluated: 2026-03-18. Review status: criteria provided, single submitter. Criteria: Myriad Autosomal Dominant, Autosomal Recessive and X-Linked Classification Criteria (2023). Collection method: clinical testing. Allele origin: unknown.
Comment: NM_003494.3(DYSF):c.2152G>A(A718T) is a missense variant classified as a variant of uncertain significance in the context of dysferlinopathy. A718T has been observed in a case with relevant disease (PMID: 39678382). Relevant functional assessments of this variant are not available in the literature. A718T has been observed in referenced population frequency databases. In summary, there is insufficient evidence to classify NM_003494.3(DYSF):c.2152G>A(A718T) as pathogenic or benign. Please note: this variant was assessed in the context of healthy population screening.

Ambry Genetics
Classification: Uncertain significance for Inborn genetic diseases. Last evaluated: 2025-04-14. Review status: criteria provided, single submitter. Criteria: Ambry Variant Classification Scheme 2023. Collection method: clinical testing. Allele origin: germline.

Labcorp Genetics (formerly Invitae), Labcorp
Classification: Uncertain significance for Neuromuscular disease caused by qualitative or quantitative defects of dysferlin. Last evaluated: 2022-09-12. Review status: criteria provided, single submitter. Criteria: Invitae Variant Classification Sherloc (09022015). Collection method: clinical testing. Allele origin: germline.
Comment: This sequence change replaces alanine, which is neutral and non-polar, with threonine, which is neutral and polar, at codon 718 of the DYSF protein (p.Ala718Thr). The frequency data for this variant in the population databases is considered unreliable, as metrics indicate poor data quality at this position in the gnomAD database. This variant has not been reported in the literature in individuals affected with DYSF-related conditions. ClinVar contains an entry for this variant (Variation ID: 1358560). Advanced modeling of protein sequence and biophysical properties (such as structural, functional, and spatial information, amino acid conservation, physicochemical variation, residue mobility, and thermodynamic stability) performed at Invitae indicates that this missense variant is not expected to disrupt DYSF protein function. In summary, the available evidence is currently insufficient to determine the role of this variant in disease. Therefore, it has been classified as a Variant of Uncertain Significance.

Literature cited by the submitters: PubMed 39678382 (cited by Myriad Genetics, Inc.).